The following is an entry in ClinVar:

NM_002103.5(GYS1):c.1007A>G (p.Asn336Ser)

Gene: GYS1 (glycogen synthase 1; minus strand). Cytogenetic location: 19q13.33.
Variant type: single nucleotide variant.
Coding change: c.1007A>G on transcript NM_002103.5 (MANE Select); coding-DNA position 1007, A replaced by G.
Protein change: p.Asn336Ser; replaces asparagine 336 with serine.
Molecular consequence: missense variant. On other transcripts: non-coding transcript variant (1).
Genome position (GRCh38, 1-based): chr19:48,982,310, T>C on the plus strand (A>G on the coding strand, the complement: GYS1 is on the minus strand). VCF-style: chr19-48982310-T-C. GRCh37 (hg19) VCF-style: chr19-49485567-T-C.
Other names: c.1007A>G (NM_002103.4); c.815A>G, p.Asn272Ser (NM_001161587.2); short protein forms N336S, N272S.
Identifiers: ClinVar variation 2196540 (VCV002196540.2), dbSNP rs760811109, ClinGen allele CA309395801.

ClinVar aggregate classification (germline): Uncertain significance. Review status: criteria provided, multiple submitters, no conflicts (2 of 4 stars). 2 submissions from 2 submitters: Uncertain significance (2). Last evaluated 2024-12-03.

Conditions:
Glycogen storage disease due to muscle and heart glycogen synthase deficiency. Also called: GSD 0b; MUSCLE GLYCOGEN SYNTHASE DEFICIENCY. Identifiers: Orphanet 137625, MedGen C1969054, MONDO:0012693, OMIM 611556.
Inborn genetic diseases. Identifiers: MedGen C0950123, MeSH D030342.

Allele frequency attached by ClinVar (database versions not stated): gnomAD 0.00001; TOPMed 0.00003.

Submissions (2):

Ambry Genetics
Classification: Uncertain significance for Inborn genetic diseases. Last evaluated: 2024-12-03. Review status: criteria provided, single submitter. Criteria: Ambry Variant Classification Scheme 2023. Collection method: clinical testing. Allele origin: germline.

Labcorp Genetics (formerly Invitae), Labcorp
Classification: Uncertain significance for Glycogen storage disease due to muscle and heart glycogen synthase deficiency. Last evaluated: 2022-03-01. Review status: criteria provided, single submitter. Criteria: Invitae Variant Classification Sherloc (09022015). Collection method: clinical testing. Allele origin: germline.
Comment: This sequence change replaces asparagine, which is neutral and polar, with serine, which is neutral and polar, at codon 336 of the GYS1 protein (p.Asn336Ser). This variant is present in population databases (rs760811109, gnomAD 0.01%). This variant has not been reported in the literature in individuals affected with GYS1-related conditions. Algorithms developed to predict the effect of missense changes on protein structure and function are either unavailable or do not agree on the potential impact of this missense change (SIFT: "Deleterious"; PolyPhen-2: "Benign"; Align-GVGD: "Class C0"). In summary, the available evidence is currently insufficient to determine the role of this variant in disease. Therefore, it has been classified as a Variant of Uncertain Significance.